The following is an entry in ClinVar:

ClinVar aggregate classification (germline): Uncertain significance (1 of 4 stars; one submission).

Conditions:
Developmental and epileptic encephalopathy 94 (DEE94). Also called: Epileptic encephalopathy, childhood-onset; CHD2-Related Neurodevelopmental Disorders. Identifiers: Orphanet 1942, Orphanet 2382, MedGen C3809278, MONDO:0014150, OMIM 615369.

Submission:

Labcorp Genetics (formerly Invitae), Labcorp
Classification: Uncertain significance for Developmental and epileptic encephalopathy 94. Last evaluated: 2024-08-26. Review status: criteria provided, single submitter. Criteria: Invitae Variant Classification Sherloc (09022015). Collection method: clinical testing. Allele origin: germline.
Comment: This sequence change replaces proline, which is neutral and non-polar, with glutamine, which is neutral and polar, at codon 1779 of the CHD2 protein (p.Pro1779Gln). This variant is not present in population databases (gnomAD no frequency). This variant has not been reported in the literature in individuals affected with CHD2-related conditions. Invitae Evidence Modeling of protein sequence and biophysical properties (such as structural, functional, and spatial information, amino acid conservation, physicochemical variation, residue mobility, and thermodynamic stability) indicates that this missense variant is not expected to disrupt CHD2 protein function with a negative predictive value of 95%. In summary, the available evidence is currently insufficient to determine the role of this variant in disease. Therefore, it has been classified as a Variant of Uncertain Significance.

NM_001271.4(CHD2):c.5336C>A (p.Pro1779Gln)

Gene: CHD2 (chromodomain helicase DNA binding protein 2; plus strand). Cytogenetic location: 15q26.1.
Variant type: single nucleotide variant.
Coding change: c.5336C>A on transcript NM_001271.4 (MANE Select); coding-DNA position 5336, C replaced by A.
Protein change: p.Pro1779Gln; replaces proline 1779 with glutamine.
Molecular consequence: missense variant.
Genome position (GRCh38, 1-based): chr15:93,024,554, C>A. VCF-style: chr15-93024554-C-A. GRCh37 (hg19) VCF-style: chr15-93567784-C-A.
Other names: short protein forms P1779Q.
Identifiers: ClinVar variation 3636704 (VCV003636704.2).